The following is an entry in ClinVar:

NM_000069.3(CACNA1S):c.2658-9G>A

Gene: CACNA1S (calcium voltage-gated channel subunit alpha1 S; minus strand). Cytogenetic location: 1q32.1.
Variant type: single nucleotide variant.
Coding change: c.2658-9G>A on transcript NM_000069.3 (MANE Select); 9 bases into the intron before coding-DNA position 2658, G replaced by A.
Molecular consequence: intron variant.
Genome position (GRCh38, 1-based): chr1:201,066,325, C>T on the plus strand (G>A on the coding strand, the complement: CACNA1S is on the minus strand). VCF-style: chr1-201066325-C-T. GRCh37 (hg19) VCF-style: chr1-201035453-C-T.
Identifiers: ClinVar variation 473978 (VCV000473978.13), dbSNP rs367580345, ClinGen allele CA079203.

ClinVar aggregate classification (germline): Likely benign. Review status: criteria provided, multiple submitters, no conflicts (2 of 4 stars). 3 submissions from 3 submitters: Likely benign (3). Last evaluated 2026-01-27.

Conditions:
Malignant hyperthermia, susceptibility to, 5 (MHS5). Also called: CACNA1S-Related Malignant Hyperthermia Susceptibility. Identifiers: Orphanet 423, MedGen C1866077, MONDO:0011163, OMIM 601887.
Hypokalemic periodic paralysis, type 1. Also called: HypoPP; Hypokalemic Periodic Paralysis Type 1 (AD). Identifiers: Orphanet 681, MedGen C3714580, MONDO:0042979, OMIM 170400.

Allele frequency attached by ClinVar (database versions not stated): gnomAD exomes 0.00003; ExAC 0.00004; gnomAD 0.00012 and 0.00013; TOPMed 0.00016; ESP Exome Variant Server 0.00023.
gnomAD v4.1: 58 of 1,608,090 alleles (0.0036%); highest among the groups gnomAD compares: African/African-American, 0.037%; no homozygotes.

Submissions (3):

Labcorp Genetics (formerly Invitae), Labcorp
Classification: Likely benign for Hypokalemic periodic paralysis, type 1; Malignant hyperthermia, susceptibility to, 5. Last evaluated: 2026-01-27. Review status: criteria provided, single submitter. Criteria: Invitae Variant Classification Sherloc (09022015). Collection method: clinical testing. Allele origin: germline.

All of Us Research Program, National Institutes of Health
Classification: Likely benign for Malignant hyperthermia, susceptibility to, 5. Last evaluated: 2024-01-11. Review status: criteria provided, single submitter. Criteria: ACMG Guidelines, 2015. Collection method: clinical testing. Allele origin: germline. Inheritance: Autosomal dominant inheritance. Observed: 13 variant alleles, 13 heterozygotes.
Comment: This study involves interpretation of variants in research participants for the purpose of population health screening. Participant phenotype was not available at the time of variant classification. Additional details can be found in publication PMID: 35346344, PMCID: PMC8962531

Color Diagnostics, LLC DBA Color Health
Classification: Likely benign for Malignant hyperthermia, susceptibility to, 5. Last evaluated: 2022-10-20. Review status: criteria provided, single submitter. Criteria: ACMG Guidelines, 2015. Collection method: clinical testing. Allele origin: germline.